The following is an entry in ClinVar:

NM_133259.4(LRPPRC):c.3117_3118del (p.Leu1040fs)

Gene: LRPPRC (leucine rich pentatricopeptide repeat containing; minus strand). Cytogenetic location: 2p21.
Variant type: Microsatellite.
Coding change: c.3117_3118del on transcript NM_133259.4 (MANE Select); coding-DNA positions 3117 to 3118, 2 bases deleted (AT; older notation c.3117_3118delAT).
Protein change: p.Leu1040fs; shifts the reading frame from leucine 1040.
Molecular consequence: frameshift variant.
Genome position (GRCh38, 1-based): chr2:43,918,055-43,918,056, AT deleted on the plus strand (AT on the coding strand, the reverse complement: LRPPRC is on the minus strand); deleting any 2 consecutive bases within chr2:43,918,055-43,918,060 gives the same sequence; the c. name uses the placement nearest the transcript's 3' end. VCF-style (leftmost placement, unchanged base first): chr2-43918054-AAT-A. GRCh37 (hg19) VCF-style: chr2-44145193-AAT-A.
Other names: short protein forms L1040fs.
Identifiers: ClinVar variation 2853366 (VCV002853366.3), dbSNP rs2466450353, ClinGen allele CA2739270922.
Genomic context (GRCh38, chr2:43,918,054, plus strand): 5'-CACACACACCCCCATCCCCGTATGTGCTTGCCTTTTTTTTGGTTCAATCGGCAGGCAATC[AAT>A]ATATCTTTCTGGAAATCAGGTTCTGTGGTTGAGGCTGACGAAGAATTCAGGGAATGTTTT-3'

ClinVar aggregate classification (germline): Pathogenic (1 of 4 stars; one submission).

Submission:

Labcorp Genetics (formerly Invitae), Labcorp
Classification: Pathogenic. Last evaluated: 2023-11-10. Review status: criteria provided, single submitter. Criteria: Invitae Variant Classification Sherloc (09022015). Collection method: clinical testing. Allele origin: germline.
Comment: This sequence change creates a premature translational stop signal (p.Leu1040Aspfs*13) in the LRPPRC gene. It is expected to result in an absent or disrupted protein product. Loss-of-function variants in LRPPRC are known to be pathogenic (PMID: 26510951). This variant is not present in population databases (gnomAD no frequency). This variant has not been reported in the literature in individuals affected with LRPPRC-related conditions. For these reasons, this variant has been classified as Pathogenic.

Literature cited by the submitters: PubMed 26510951.